The following is an entry in ClinVar:

NM_000059.4(BRCA2):c.4473_4476delinsTT (p.Leu1491_Lys1492insTer)

Gene: BRCA2 (BRCA2 DNA repair associated; plus strand). Cytogenetic location: 13q13.1.
Variant type: Indel.
Coding change: c.4473_4476delinsTT on transcript NM_000059.4 (MANE Select); coding-DNA positions 4473 to 4476, GAAA replaced by TT.
Protein change: p.Leu1491_Lys1492insTer.
Molecular consequence: frameshift variant. On other transcripts: non-coding transcript variant (1), intron variant (2).
Genome position (GRCh38, 1-based): chr13:32,338,828-32,338,831, GAAA replaced by TT. VCF-style: chr13-32338828-GAAA-TT. GRCh37 (hg19) VCF-style: chr13-32912965-GAAA-TT.
Other names: c.4473_4476delinsTT, p.Leu1491_Lys1492insTer (NM_001406719.1, NM_001406720.1, NM_001432077.1); c.1909+5441_1909+5444delinsTT (NM_001406721.1); c.425-5730_425-5727delinsTT (NM_001406722.1); c.4473_4476delGAAAinsTT (NM_000059.4).
Identifiers: ClinVar variation 4690233 (VCV004690233.1).

ClinVar aggregate classification (germline): Likely pathogenic (1 of 4 stars; one submission).

Conditions:
Breast-ovarian cancer, familial, susceptibility to, 2 (BROVCA2). Also called: BRCA2 Hereditary Breast and Ovarian Cancer. Identifiers: Orphanet 145, MedGen C2675520, MONDO:0012933, OMIM 612555. Disease mechanism: loss of function.

Submission:

EVOGEN
Classification: Likely pathogenic for Breast-ovarian cancer, familial, susceptibility to, 2. Last evaluated: 2024-09-04. Review status: criteria provided, single submitter. Criteria: ACMG Guidelines, 2015. Collection method: clinical testing. Allele origin: germline. Affected: yes.
Comment: PVS1: Null variant (nonsense) in gene BRCA2, predicted to cause NMD. Loss-of-function is a known mechanism of disease (gene has 5 493 reported pathogenic LOF variants). The exon affects 3 functional domains: UniProt protein BRCA2_HUMAN region of interest 'Interaction with POLH', UniProt protein BRCA2_HUMAN region of interest 'Interaction with RAD51', and UniProt protein BRCA2_HUMAN region of interest 'Required for stimulation of POLH DNA polymerization activity'. The exon contains 2 723 pathogenic variants. The truncated region contains 3 287 pathogenic variants. PM2: Variant not found in gnomAD genomes, good gnomAD genomes coverage = 31.8. Variant not found in gnomAD exomes, good gnomAD exomes coverage = 46.6. Moscow City Health Department financial support